The following is an entry in ClinVar:

ClinVar aggregate classification (germline): Pathogenic (1 of 4 stars; one submission).

Conditions:
Neurofibromatosis, type 1 (NF1). Also called: Peripheral type neurofibromatosis; VON RECKLINGHAUSEN DISEASE; NEUROFIBROMATOSIS, TYPE I, SOMATIC; Neurofibromatosis, type I. Identifiers: Orphanet 636, MedGen C0027831, MONDO:0018975, OMIM 162200. Disease mechanism: loss of function.

Submission:

Labcorp Genetics (formerly Invitae), Labcorp
Classification: Pathogenic for Neurofibromatosis, type 1. Last evaluated: 2024-05-26. Review status: criteria provided, single submitter. Criteria: Invitae Variant Classification Sherloc (09022015). Collection method: clinical testing. Allele origin: germline.
Comment: This sequence change creates a premature translational stop signal (p.Gly1092Valfs*4) in the NF1 gene. It is expected to result in an absent or disrupted protein product. Loss-of-function variants in NF1 are known to be pathogenic (PMID: 10712197, 23913538). This variant is not present in population databases (gnomAD no frequency). This variant has not been reported in the literature in individuals affected with NF1-related conditions. For these reasons, this variant has been classified as Pathogenic.

Literature cited by the submitters: PubMed 10712197; PubMed 23913538.

NM_001042492.3(NF1):c.3275del (p.Gly1092fs)

Gene: NF1 (neurofibromin 1; plus strand). Cytogenetic location: 17q11.2.
Variant type: Deletion.
Coding change: c.3275del on transcript NM_001042492.3 (MANE Select); coding-DNA position 3275, one base deleted (G; older notation c.3275delG).
Protein change: p.Gly1092fs; shifts the reading frame from glycine 1092.
Molecular consequence: frameshift variant.
Genome position (GRCh38, 1-based): chr17:31,232,150, G deleted; the last of 2 consecutive G bases (chr17:31,232,149-31,232,150); deleting either gives the same sequence. VCF-style (leftmost placement, unchanged base first): chr17-31232148-TG-T. GRCh37 (hg19) VCF-style: chr17-29559166-TG-T.
Other names: c.3275delG, p.Gly1092Valfs (NM_000267.4); short protein forms G1092fs.
Identifiers: ClinVar variation 3654607 (VCV003654607.2).